The following is an entry in ClinVar:

NM_001261826.3(AP3D1):c.1197G>A (p.Lys399=)

Gene: AP3D1 (adaptor related protein complex 3 subunit delta 1; minus strand). Cytogenetic location: 19p13.3.
Variant type: single nucleotide variant.
Coding change: c.1197G>A on transcript NM_001261826.3 (MANE Select); coding-DNA position 1197, G replaced by A.
Protein change: p.Lys399=; no amino-acid change (lysine 399 retained).
Molecular consequence: synonymous variant.
Genome position (GRCh38, 1-based): chr19:2,121,216, C>T on the plus strand (G>A on the coding strand, the complement: AP3D1 is on the minus strand). VCF-style: chr19-2121216-C-T. GRCh37 (hg19) VCF-style: chr19-2121215-C-T.
Other names: p.Lys399=; c.1197G>A, p.Lys399= (NM_001374799.1, NM_003938.8).
Identifiers: ClinVar variation 1591082 (VCV001591082.9), dbSNP rs186810054, ClinGen allele CA9059389.
Genomic context (GRCh38, chr19:2,121,216, plus strand): 5'-GACGCACCACTCGAAGTTGGTGATGTACTGGTAGTTGGACTGGCTGCAGATGTCAATGAT[C>T]TTGGTGAGCAGCTCGTCACGGTAGGTGGTACCCTCTGCCTTGTCTACGTGGGTCATCAGC-3'
Protein context (NP_001248755.1, residues 389-409): GTTYRDELLT[Lys399=]IIDICSQSNY

ClinVar aggregate classification (germline): Likely benign. Review status: criteria provided, multiple submitters, no conflicts (2 of 4 stars). 2 submissions from 2 submitters: Likely benign (2). Last evaluated 2026-01-12.

Allele frequency attached by ClinVar (database versions not stated): ExAC 0.00006; gnomAD 0.00006 and 0.00007; TOPMed 0.00006; gnomAD exomes 0.00008; 1000 Genomes Project 30x 0.00047; 1000 Genomes Project 0.00060.
gnomAD v4.1: 89 of 1,614,200 alleles (0.0055%); highest among the groups gnomAD compares: Middle Eastern, 0.049%; no homozygotes.

Submissions (2):

Labcorp Genetics (formerly Invitae), Labcorp
Classification: Likely benign. Last evaluated: 2026-01-12. Review status: criteria provided, single submitter. Criteria: Invitae Variant Classification Sherloc (09022015). Collection method: clinical testing. Allele origin: germline.

Mayo Clinic Laboratories, Mayo Clinic
Classification: Likely benign. Last evaluated: 2025-08-14. Review status: criteria provided, single submitter. Criteria: ACMG Guidelines, 2015. Collection method: clinical testing. Allele origin: germline. Observed: 1 variant allele.
Comment: BS1, BP4, BP7